The following is an entry in ClinVar:

ClinVar aggregate classification (germline): Uncertain significance (1 of 4 stars; one submission).

Conditions:
Adams-Oliver syndrome 5 (AOS5). Identifiers: Orphanet 974, MedGen C4014970, MONDO:0014459, OMIM 616028.

Submission:

Labcorp Genetics (formerly Invitae), Labcorp
Classification: Uncertain significance for Adams-Oliver syndrome 5. Last evaluated: 2022-10-06. Review status: criteria provided, single submitter. Criteria: Invitae Variant Classification Sherloc (09022015). Collection method: clinical testing. Allele origin: germline.
Comment: This variant is not present in population databases (gnomAD no frequency). This variant has not been reported in the literature in individuals affected with NOTCH1-related conditions. Advanced modeling of protein sequence and biophysical properties (such as structural, functional, and spatial information, amino acid conservation, physicochemical variation, residue mobility, and thermodynamic stability) performed at Invitae indicates that this missense variant is not expected to disrupt NOTCH1 protein function. In summary, the available evidence is currently insufficient to determine the role of this variant in disease. Therefore, it has been classified as a Variant of Uncertain Significance. This sequence change replaces glutamic acid, which is acidic and polar, with glutamine, which is neutral and polar, at codon 493 of the NOTCH1 protein (p.Glu493Gln).

NM_017617.5(NOTCH1):c.1477G>C (p.Glu493Gln)

Gene: NOTCH1 (notch receptor 1; minus strand). Cytogenetic location: 9q34.3.
Variant type: single nucleotide variant.
Coding change: c.1477G>C on transcript NM_017617.5 (MANE Select); coding-DNA position 1477, G replaced by C.
Protein change: p.Glu493Gln; replaces glutamic acid 493 with glutamine.
Molecular consequence: missense variant.
Genome position (GRCh38, 1-based): chr9:136,517,350, C>G on the plus strand (G>C on the coding strand, the complement: NOTCH1 is on the minus strand). VCF-style: chr9-136517350-C-G. GRCh37 (hg19) VCF-style: chr9-139411802-C-G.
Other names: short protein forms E493Q.
Identifiers: ClinVar variation 1713450 (VCV001713450.5), dbSNP rs1554729862, ClinGen allele CA375562468.